The following is an entry in ClinVar:

NM_001371986.1(UNC80):c.2071T>C (p.Cys691Arg)

Gene: UNC80 (unc-80 subunit of NALCN channel complex; plus strand). Cytogenetic location: 2q34.
Variant type: single nucleotide variant.
Coding change: c.2071T>C on transcript NM_001371986.1 (MANE Select); coding-DNA position 2071, T replaced by C.
Protein change: p.Cys691Arg; replaces cysteine 691 with arginine.
Molecular consequence: missense variant.
Genome position (GRCh38, 1-based): chr2:209,820,419, T>C. VCF-style: chr2-209820419-T-C. GRCh37 (hg19) VCF-style: chr2-210685143-T-C.
Other names: c.2071T>C, p.Cys691Arg (NM_032504.2, NM_182587.4); c.2071T>C (NM_032504.1); short protein forms C691R.
Identifiers: ClinVar variation 2083447 (VCV002083447.3), dbSNP rs771798441, ClinGen allele CA64669403.
Genomic context (GRCh38, chr2:209,820,419, plus strand): 5'-CGTATCTGTGACGTGGCGCTAAACATTGTGGAATGCTTGCTTCAACTTGGTGTGGTGCCC[T>C]GTGTAGAAAAGAATAGAAAGAAGAGTGAAAACAAGGAAAATGAGACCTTGGAAAAGAGGC-3'
Protein context (NP_001358915.1, residues 681-701): ECLLQLGVVP[Cys691Arg]VEKNRKKSEN

ClinVar aggregate classification (germline): Uncertain significance. Review status: criteria provided, multiple submitters, no conflicts (2 of 4 stars). 2 submissions from 2 submitters: Uncertain significance (2). Last evaluated 2025-08-07.

Conditions:
Inborn genetic diseases. Identifiers: MedGen C0950123, MeSH D030342.

Allele frequency attached by ClinVar (database versions not stated): TOPMed 0.00003; gnomAD 0.00004.
gnomAD v4.1: 83 of 1,551,666 alleles (0.0053%); highest among the groups gnomAD compares: Non-Finnish European, 0.0065%; no homozygotes.

Submissions (2):

Ambry Genetics
Classification: Uncertain significance for Inborn genetic diseases. Last evaluated: 2025-08-07. Review status: criteria provided, single submitter. Criteria: Ambry Variant Classification Scheme 2023. Collection method: clinical testing. Allele origin: germline.

Labcorp Genetics (formerly Invitae), Labcorp
Classification: Uncertain significance. Last evaluated: 2022-06-22. Review status: criteria provided, single submitter. Criteria: Invitae Variant Classification Sherloc (09022015). Collection method: clinical testing. Allele origin: germline.
Comment: In summary, the available evidence is currently insufficient to determine the role of this variant in disease. Therefore, it has been classified as a Variant of Uncertain Significance. Algorithms developed to predict the effect of missense changes on protein structure and function are either unavailable or do not agree on the potential impact of this missense change (SIFT: "Not Available"; PolyPhen-2: "Benign"; Align-GVGD: "Not Available"). This variant has not been reported in the literature in individuals affected with UNC80-related conditions. This variant is present in population databases (rs771798441, gnomAD 0.007%). This sequence change replaces cysteine, which is neutral and slightly polar, with arginine, which is basic and polar, at codon 691 of the UNC80 protein (p.Cys691Arg).